The following is an entry in ClinVar:

NM_004371.4(COPA):c.1973T>C (p.Ile658Thr)

Gene: COPA (coat protein complex I subunit alpha; minus strand). Cytogenetic location: 1q23.2.
Variant type: single nucleotide variant.
Coding change: c.1973T>C on transcript NM_004371.4 (MANE Select); coding-DNA position 1973, T replaced by C.
Protein change: p.Ile658Thr; replaces isoleucine 658 with threonine.
Molecular consequence: missense variant.
Genome position (GRCh38, 1-based): chr1:160,298,849, A>G on the plus strand (T>C on the coding strand, the complement: COPA is on the minus strand). VCF-style: chr1-160298849-A-G. GRCh37 (hg19) VCF-style: chr1-160268639-A-G.
Other names: c.2000T>C, p.Ile667Thr (NM_001098398.2); short protein forms I658T, I667T.
Identifiers: ClinVar variation 3680230 (VCV003680230.2).

ClinVar aggregate classification (germline): Uncertain significance (1 of 4 stars; one submission).

Conditions:
Autoimmune interstitial lung disease-arthritis syndrome. Also called: Autoinflammation and autoimmunity, systemic, with immune dysregulation. Identifiers: Orphanet 444092, MedGen C5975714, MONDO:0014629.

gnomAD v4.1: 20 of 1,614,046 alleles (0.0012%); highest among the groups gnomAD compares: East Asian, 0.0045%; no homozygotes.

Submission:

Labcorp Genetics (formerly Invitae), Labcorp
Classification: Uncertain significance for Autoimmune interstitial lung disease-arthritis syndrome. Last evaluated: 2025-11-01. Review status: criteria provided, single submitter. Criteria: Invitae Variant Classification Sherloc (09022015). Collection method: clinical testing. Allele origin: germline.
Comment: This sequence change replaces isoleucine, which is neutral and non-polar, with threonine, which is neutral and polar, at codon 658 of the COPA protein (p.Ile658Thr). This variant is present in population databases (rs528466335, gnomAD 0.006%). This variant has not been reported in the literature in individuals affected with COPA-related conditions. ClinVar contains an entry for this variant (Variation ID: 3680230). Invitae Evidence Modeling of protein sequence and biophysical properties (such as structural, functional, and spatial information, amino acid conservation, physicochemical variation, residue mobility, and thermodynamic stability) indicates that this missense variant is expected to disrupt COPA protein function with a positive predictive value of 80%. In summary, the available evidence is currently insufficient to determine the role of this variant in disease. Therefore, it has been classified as a Variant of Uncertain Significance.